The following is an entry in ClinVar:

ClinVar aggregate classification (germline): Uncertain significance. Review status: criteria provided, multiple submitters, no conflicts (2 of 4 stars). 2 submissions from 2 submitters: Uncertain significance (2). Last evaluated 2025-05-17.

Conditions:
Tietz syndrome (TADS). Also called: ALBINISM-DEAFNESS OF TIETZ; HYPOPIGMENTATION/DEAFNESS OF TIETZ; TIETZ ALBINISM-DEAFNESS SYNDROME. Identifiers: Orphanet 42665, MedGen C0391816, MONDO:0007077, OMIM 103500.
Waardenburg syndrome type 2A (WS2A). Also called: WAARDENBURG SYNDROME WITHOUT DYSTOPIA CANTHORUM. Identifiers: Orphanet 3440, MedGen C1860339, MONDO:0008671, OMIM 193510.
Melanoma, cutaneous malignant, susceptibility to, 8. Also called: MELANOMA AND RENAL CELL CARCINOMA, SUSCEPTIBILITY TO; Cutaneous malignant melanoma 8. Identifiers: Orphanet 293822, MedGen C3152204, MONDO:0013759, OMIM 614456.
Hereditary cancer-predisposing syndrome. Also called: Hereditary neoplastic syndrome; Neoplastic Syndromes, Hereditary; Tumor predisposition; Hereditary Cancer Syndrome. Identifiers: Orphanet 140162, MedGen C0027672, MeSH D009386, MONDO:0015356.

Submissions (2):

Ambry Genetics
Classification: Uncertain significance for Hereditary cancer-predisposing syndrome. Last evaluated: 2025-05-17. Review status: criteria provided, single submitter. Criteria: Ambry Variant Classification Scheme 2023. Collection method: clinical testing. Allele origin: germline.
Comment: The p.M77L variant (also known as c.229A>C), located in coding exon 2 of the MITF gene, results from an A to C substitution at nucleotide position 229. The methionine at codon 77 is replaced by leucine, an amino acid with highly similar properties. This amino acid position is conserved. In addition, this alteration is predicted to be tolerated by in silico analysis. Based on the available evidence, the clinical significance of this variant remains unclear.

Labcorp Genetics (formerly Invitae), Labcorp
Classification: Uncertain significance for Melanoma, cutaneous malignant, susceptibility to, 8; Waardenburg syndrome type 2A; Tietz syndrome. Last evaluated: 2024-11-13. Review status: criteria provided, single submitter. Criteria: Invitae Variant Classification Sherloc (09022015). Collection method: clinical testing. Allele origin: germline.
Comment: This sequence change replaces methionine, which is neutral and non-polar, with leucine, which is neutral and non-polar, at codon 77 of the MITF protein (p.Met77Leu). This variant is not present in population databases (gnomAD no frequency). This variant has not been reported in the literature in individuals affected with MITF-related conditions. ClinVar contains an entry for this variant (Variation ID: 2948336). Invitae Evidence Modeling of protein sequence and biophysical properties (such as structural, functional, and spatial information, amino acid conservation, physicochemical variation, residue mobility, and thermodynamic stability) indicates that this missense variant is not expected to disrupt MITF protein function with a negative predictive value of 80%. In summary, the available evidence is currently insufficient to determine the role of this variant in disease. Therefore, it has been classified as a Variant of Uncertain Significance.

NM_001354604.2(MITF):c.550A>C (p.Met184Leu)

Gene: MITF (melanocyte inducing transcription factor; plus strand). Cytogenetic location: 3p13.
Variant type: single nucleotide variant.
Coding change: c.550A>C on transcript NM_001354604.2 (MANE Select); coding-DNA position 550, A replaced by C.
Protein change: p.Met184Leu; replaces methionine 184 with leucine.
Molecular consequence: missense variant. On other transcripts: intron variant (1).
Genome position (GRCh38, 1-based): chr3:69,938,017, A>C. VCF-style: chr3-69938017-A-C. GRCh37 (hg19) VCF-style: chr3-69987168-A-C.
Other names: c.229A>C, p.Met77Leu (NM_000248.4, NM_001184968.2, NM_198158.3); c.394A>C, p.Met132Leu (NM_001184967.2, NM_001354608.2); c.547A>C, p.Met183Leu (NM_001354605.2, NM_001354606.2, NM_006722.3); c.499A>C, p.Met167Leu (NM_001354607.2); c.550A>C, p.Met184Leu (NM_198159.3); c.502A>C, p.Met168Leu (NM_198177.3); c.93+136A>C (NM_198178.3); short protein forms M168L, M183L, M184L, M77L, M132L, M167L.
Identifiers: ClinVar variation 2948336 (VCV002948336.4), dbSNP rs1443458696, ClinGen allele CA353560679.